The following is an entry in ClinVar:

NM_031206.7(LAS1L):c.650TTG[2] (p.Val219del)

Gene: LAS1L (LAS1 like ribosome biogenesis factor; minus strand). Cytogenetic location: Xq12.
Variant type: Microsatellite.
Coding change: c.650TTG[2] on transcript NM_031206.7 (MANE Select); two copies in a row of the 3-base unit TTG starting at c.650; the reference has three copies in a row; one copy, 3 bases deleted.
Protein change: p.Val219del; deletes valine 219.
Molecular consequence: 5 prime UTR variant (on NM_001375332.1). On other transcripts: non-coding transcript variant (1).
Genome position (GRCh38, 1-based): chrX:65,529,735-65,529,737, CAA deleted on the plus strand (TTG on the coding strand, the reverse complement: LAS1L is on the minus strand); deleting any 3 consecutive bases within chrX:65,529,735-65,529,743 gives the same sequence; the position shown is the placement nearest the transcript's 3' end. VCF-style (leftmost placement, unchanged base first): chrX-65529734-TCAA-T. GRCh37 (hg19) VCF-style: chrX-64749614-TCAA-T.
Other names: c.650TTG[2], p.Val219del (NM_001170649.2, NM_001375328.1, NM_001375329.1 and 8 more transcripts); c.524TTG[2], p.Val177del (NM_001170650.2); c.-147TTG[2] (NM_001375332.1); short protein forms V177del, V219del.
Identifiers: ClinVar variation 4072633 (VCV004072633.1).

ClinVar aggregate classification (germline): Uncertain significance (1 of 4 stars; one submission).

Submission:

GeneDx
Classification: Uncertain significance. Last evaluated: 2025-01-29. Review status: criteria provided, single submitter. Criteria: GeneDx Variant Classification Process June 2021. Collection method: clinical testing. Allele origin: germline. Affected: yes.
Comment: In-frame deletion of 1 amino acid in a non-repeat region; Not observed at significant frequency in large population cohorts (gnomAD); In silico analysis indicates that this variant does not alter protein structure/function; Has not been previously published as pathogenic or benign to our knowledge